The following is an entry in ClinVar:

ClinVar aggregate classification (germline): Uncertain significance (1 of 4 stars; one submission).

Conditions:
NRP2-related disorder. Also called: NRP2-related condition.

gnomAD v4.1: 10 of 1,614,146 alleles (0.00062%); highest among the groups gnomAD compares: East Asian, 0.0067%; no homozygotes.

Submission:

PreventionGenetics, part of Exact Sciences
Classification: Uncertain significance for NRP2-related condition. Last evaluated: 2024-10-20. Review status: criteria provided, single submitter. Criteria: ACMG Guidelines, 2015. Collection method: clinical testing. Allele origin: germline.
Comment: The NRP2 c.2684C>T variant is predicted to result in the amino acid substitution p.Ser895Leu. To our knowledge, this variant has not been reported in the literature. This variant is reported in 0.043% of alleles in individuals of East Asian descent in gnomAD. At this time, the clinical significance of this variant is uncertain due to the absence of conclusive functional and genetic evidence.

NM_003872.3(NRP2):c.2669C>T (p.Ser890Leu)

Gene: NRP2 (neuropilin 2; plus strand). Cytogenetic location: 2q33.3.
Variant type: single nucleotide variant.
Coding change: c.2669C>T on transcript NM_003872.3 (MANE Select); coding-DNA position 2669, C replaced by T.
Protein change: p.Ser890Leu; replaces serine 890 with leucine.
Molecular consequence: missense variant.
Genome position (GRCh38, 1-based): chr2:205,794,946, C>T. VCF-style: chr2-205794946-C-T. GRCh37 (hg19) VCF-style: chr2-206659670-C-T.
Other names: c.2684C>T, p.Ser895Leu (NM_201266.2); c.2618C>T, p.Ser873Leu (NM_201279.2); short protein forms S890L, S895L, S873L.
Identifiers: ClinVar variation 4987626 (VCV004987626.1).